The following is an entry in ClinVar:

NM_015629.4(PRPF31):c.316G>T (p.Glu106Ter)

Genes: PRPF31 (pre-mRNA processing factor 31; plus strand), PRPF31-AS1 (PRPF31 antisense RNA 1; minus strand). Cytogenetic location: 19q13.42.
Variant type: single nucleotide variant.
Coding change: c.316G>T on transcript NM_015629.4 (MANE Select); coding-DNA position 316, G replaced by T.
Protein change: p.Glu106Ter; replaces glutamic acid 106 with a stop codon.
Molecular consequence: nonsense.
Genome position (GRCh38, 1-based): chr19:54,121,937, G>T. VCF-style: chr19-54121937-G-T. GRCh37 (hg19) VCF-style: chr19-54625316-G-T.
Other names: short protein forms E106*.
Identifiers: ClinVar variation 4763901 (VCV004763901.1).

ClinVar aggregate classification (germline): Pathogenic (1 of 4 stars; one submission).

Submission:

Labcorp Genetics (formerly Invitae), Labcorp
Classification: Pathogenic. Last evaluated: 2025-10-06. Review status: criteria provided, single submitter. Criteria: Invitae Variant Classification Sherloc (09022015). Collection method: clinical testing. Allele origin: germline.
Comment: This sequence change creates a premature translational stop signal (p.Glu106*) in the PRPF31 gene. It is expected to result in an absent or disrupted protein product. Loss-of-function variants in PRPF31 are known to be pathogenic (PMID: 18317597, 23950152). This variant is not present in population databases (gnomAD no frequency). This premature translational stop signal has been observed in individual(s) with PRPF31-related conditions (PMID: 33247286). For these reasons, this variant has been classified as Pathogenic.

Literature cited by the submitters: PubMed 18317597; PubMed 23950152; PubMed 33247286.